The following is an entry in ClinVar:

ClinVar aggregate classification (germline): Uncertain significance (1 of 4 stars; one submission).

Submission:

Ambry Genetics
Classification: Uncertain significance. Last evaluated: 2019-11-20. Review status: criteria provided, single submitter. Criteria: Ambry Variant Classification Scheme 2023. Collection method: clinical testing. Allele origin: germline.
Comment: The c.2278dupA variant, located in coding exon 18 of the MARS gene, results from a duplication of A at nucleotide position 2278, causing a translational frameshift with a predicted alternate stop codon (p.M760Nfs*5). This alteration is expected to result in loss of function by premature protein truncation or nonsense-mediated mRNA decay. However, loss of function of MARS has not been clearly established as a mechanism of disease. Since supporting evidence is limited at this time, the clinical significance of this alteration remains unclear.

NM_004990.4(MARS1):c.2278dup (p.Met760fs)

Gene: MARS1 (methionyl-tRNA synthetase 1; plus strand). Cytogenetic location: 12q13.3.
Variant type: Duplication.
Coding change: c.2278dup on transcript NM_004990.4 (MANE Select); coding-DNA position 2278, one base duplicated (A; older notation c.2278dupA).
Protein change: p.Met760fs; shifts the reading frame from methionine 760.
Molecular consequence: frameshift variant.
Genome position (GRCh38, 1-based): chr12:57,515,223, A duplicated. VCF-style (leftmost placement, unchanged base first): chr12-57515222-C-CA. GRCh37 (hg19) VCF-style: chr12-57909005-C-CA.
Other names: short protein forms M760fs.
Identifiers: ClinVar variation 1800398 (VCV001800398.2), dbSNP rs2540319676, ClinGen allele CA2580086556.